The following is an entry in ClinVar:

NM_000199.5(SGSH):c.*315C>T

Gene: SGSH (N-sulfoglucosamine sulfohydrolase; minus strand). Cytogenetic location: 17q25.3.
Variant type: single nucleotide variant.
Coding change: c.*315C>T on transcript NM_000199.5 (MANE Select); 315 bases downstream of the stop codon, C replaced by T.
Molecular consequence: 3 prime UTR variant. On other transcripts: non-coding transcript variant (1).
Genome position (GRCh38, 1-based): chr17:80,210,137, G>A on the plus strand (C>T on the coding strand, the complement: SGSH is on the minus strand). VCF-style: chr17-80210137-G-A. GRCh37 (hg19) VCF-style: chr17-78183936-G-A.
Other names: c.*911C>T (NM_001352921.3); c.*874C>T (NM_001352922.2).
Identifiers: ClinVar variation 325821 (VCV000325821.6), dbSNP rs2071148, ClinGen allele CA10650379.

ClinVar aggregate classification (germline): Benign. Review status: criteria provided, multiple submitters, no conflicts (2 of 4 stars). 2 submissions from 2 submitters: Benign (2). Last evaluated 2018-01-13.

Conditions:
Mucopolysaccharidosis, MPS-III-A (MPS3A). Also called: MUCOPOLYSACCHARIDOSIS, TYPE IIIA, ATTENUATED; Mucopolysaccharidosis type IIIA (Sanfilippo A); mucopolysaccharidosis type 3A; MPS IIIA (Sanfilippo Syndrome Type A); MPS III A; HEPARAN SULFATE SULFATASE DEFICIENCY. Identifiers: Orphanet 581, Orphanet 79269, MedGen C0086647, MONDO:0009655, OMIM 252900.

Allele frequency attached by ClinVar (database versions not stated): 1000 Genomes Project 0.44828; gnomAD 0.47300 and 0.47586; TOPMed 0.45649; 1000 Genomes Project 30x 0.44300.
gnomAD v4.1: 698,540 of 1,255,602 alleles (56%); highest among the groups gnomAD compares: East Asian, 62%; 198,573 homozygotes.

Submissions (2):

Illumina Laboratory Services, Illumina
Classification: Benign for Mucopolysaccharidosis, MPS-III-A. Last evaluated: 2018-01-13. Review status: criteria provided, single submitter. Criteria: ICSL Variant Classification Criteria 13 December 2019. Collection method: clinical testing. Allele origin: germline.
Comment: This variant was observed in the ICSL laboratory as part of a predisposition screen in an ostensibly healthy population. It had not been previously curated by ICSL or reported in the Human Gene Mutation Database (HGMD: prior to June 1st, 2018), and was therefore a candidate for classification through an automated scoring system. Utilizing variant allele frequency, disease prevalence and penetrance estimates, and inheritance mode, an automated score was calculated to assess if this variant is too frequent to cause the disease. Based on the score and internal cut-off values, a variant classified as benign is not then subjected to further curation. The score for this variant resulted in a classification of benign for this disease.

Breakthrough Genomics
Classification: Benign. Review status: criteria provided, single submitter. Criteria: ACMG Guidelines, 2015. Collection method: not provided. Allele origin: germline. Inheritance: Autosomal recessive inheritance. Affected: yes.